The following is an entry in ClinVar:

NM_001378414.1(HDAC4):c.2110G>A (p.Glu704Lys)

Gene: HDAC4 (histone deacetylase 4; minus strand). Cytogenetic location: 2q37.3.
Variant type: single nucleotide variant.
Coding change: c.2110G>A on transcript NM_001378414.1 (MANE Select); coding-DNA position 2110, G replaced by A.
Protein change: p.Glu704Lys; replaces glutamic acid 704 with lysine.
Molecular consequence: missense variant.
Genome position (GRCh38, 1-based): chr2:239,108,052, C>T on the plus strand (G>A on the coding strand, the complement: HDAC4 is on the minus strand). VCF-style: chr2-239108052-C-T. GRCh37 (hg19) VCF-style: chr2-240029748-C-T.
Other names: c.2110G>A, p.Glu704Lys (NM_001378415.1); c.2095G>A, p.Glu699Lys (NM_001378416.1, NM_001378417.1, NM_006037.4); short protein forms E699K, E704K.
Identifiers: ClinVar variation 3901371 (VCV003901371.1).
Genomic context (GRCh38, chr2:239,108,052, plus strand): 5'-GGGTCCCCTCTAATGGTGCCCAAAGCCGCAGCTGCCCACCTGCCCCGGTCGGCGTTACCT[C>T]GCATTTGCCCCGGAGGCCCGTCTCCTGCAGGCGGGACCAGATGCTCTGGATCCTCCCGGC-3'
Protein context (NP_001365343.1, residues 694-714): LQETGLRGKC[Glu704Lys]CIRGRKATLE

ClinVar aggregate classification (germline): Uncertain significance (1 of 4 stars; one submission).

gnomAD v4.1: 6 of 1,610,802 alleles (0.00037%); highest among the groups gnomAD compares: Non-Finnish European, 0.00042%; no homozygotes.

Submission:

GeneDx
Classification: Uncertain significance. Last evaluated: 2024-12-04. Review status: criteria provided, single submitter. Criteria: GeneDx Variant Classification Process June 2021. Collection method: clinical testing. Allele origin: germline. Affected: yes.
Comment: Not observed at significant frequency in large population cohorts (gnomAD); In silico analysis supports that this missense variant has a deleterious effect on protein structure/function; Has not been previously published as pathogenic or benign to our knowledge